The following is an entry in ClinVar:

NM_000057.4(BLM):c.1992C>G (p.Gly664=)

Gene: BLM (BLM RecQ like helicase; plus strand). Cytogenetic location: 15q26.1.
Variant type: single nucleotide variant.
Coding change: c.1992C>G on transcript NM_000057.4 (MANE Select); coding-DNA position 1992, C replaced by G.
Protein change: p.Gly664=; no amino-acid change (glycine 664 retained).
Molecular consequence: synonymous variant.
Genome position (GRCh38, 1-based): chr15:90,763,075, C>G. VCF-style: chr15-90763075-C-G. GRCh37 (hg19) VCF-style: chr15-91306305-C-G.
Other names: c.1992C>G, p.Gly664= (NM_001287246.2, NM_001287247.2); c.867C>G, p.Gly289= (NM_001287248.2).
Identifiers: ClinVar variation 705485 (VCV000705485.37), dbSNP rs886043359, ClinGen allele CA492158525.

ClinVar aggregate classification (germline): Likely benign. Review status: criteria provided, multiple submitters, no conflicts (2 of 4 stars). 3 submissions from 3 submitters: Likely benign (3). Last evaluated 2026-01-06.

Conditions:
Bloom syndrome (BLM). Also called: Bloom-Torre-Machacek syndrome. Identifiers: Orphanet 125, MedGen C0005859, MONDO:0008876, OMIM 210900.
Hereditary cancer-predisposing syndrome. Also called: Neoplastic Syndromes, Hereditary; Tumor predisposition; Hereditary Cancer Syndrome; Hereditary neoplastic syndrome. Identifiers: Orphanet 140162, MedGen C0027672, MeSH D009386, MONDO:0015356.

Allele frequency attached by ClinVar (database versions not stated): gnomAD exomes below 0.00001; TOPMed below 0.00001.

Submissions (3):

Labcorp Genetics (formerly Invitae), Labcorp
Classification: Likely benign for Bloom syndrome. Last evaluated: 2026-01-06. Review status: criteria provided, single submitter. Criteria: Invitae Variant Classification Sherloc (09022015). Collection method: clinical testing. Allele origin: germline.

CeGaT Center for Human Genetics Tuebingen
Classification: Likely benign. Last evaluated: 2023-02-01. Review status: criteria provided, single submitter. Criteria: CeGaT Center For Human Genetics Tuebingen Variant Classification Criteria Version 2. Collection method: clinical testing. Allele origin: germline. Affected: yes. Observed: 1 variant allele.
Comment: BLM: PM2:Supporting, BP4, BP7

Ambry Genetics
Classification: Likely benign for Hereditary cancer-predisposing syndrome. Last evaluated: 2021-01-06. Review status: criteria provided, single submitter. Criteria: Ambry Variant Classification Scheme 2023. Collection method: clinical testing. Allele origin: germline.